The following is an entry in ClinVar:

ClinVar aggregate classification (germline): Conflicting classifications of pathogenicity. Review status: criteria provided, conflicting classifications (1 of 4 stars). 4 submissions from 4 submitters: Uncertain significance (1); Likely benign (3). Last evaluated 2025-07-02.

Conditions:
NPHP3-related disorder. Also called: NPHP3-related condition; NPHP3-related disorders. Identifiers: MedGen CN379163.
Nephronophthisis. Also called: Juvenile Nephronophthisis. Identifiers: Orphanet 655, MedGen C0687120, MONDO:0019005, HP:0000090.
NPHP3-related Meckel-like syndrome. Also called: GOLDSTON SYNDROME; Meckel syndrome type 7. Identifiers: Orphanet 3032, MedGen C2673885, MONDO:0009966, OMIM 267010.

Allele frequency attached by ClinVar (database versions not stated): gnomAD exomes 0.00001 and 0.00002; TOPMed 0.00001; ExAC 0.00003.
gnomAD v4.1: 7 of 1,614,126 alleles (0.00043%); highest among the groups gnomAD compares: Admixed American, 0.01%; no homozygotes.

Submissions (4):

PreventionGenetics, part of Exact Sciences
Classification: Likely benign for NPHP3-related condition. Last evaluated: 2025-07-02. Review status: criteria provided, single submitter. Criteria: ACMG Guidelines, 2015. Collection method: clinical testing. Allele origin: germline.
Comment: This variant is classified as likely benign based on ACMG/AMP sequence variant interpretation guidelines (Richards et al. 2015 PMID: 25741868, with internal and published modifications).

Labcorp Genetics (formerly Invitae), Labcorp
Classification: Likely benign for Nephronophthisis. Last evaluated: 2023-08-04. Review status: criteria provided, single submitter. Criteria: Invitae Variant Classification Sherloc (09022015). Collection method: clinical testing. Allele origin: germline.

Blueprint Genetics
Classification: Likely benign. Last evaluated: 2019-09-13. Review status: criteria provided, single submitter. Criteria: ACMG Guidelines, 2015. Collection method: clinical testing. Allele origin: germline.

Baylor Genetics
Classification: Uncertain significance for NPHP3-related Meckel-like syndrome. Last evaluated: 2019-07-17. Review status: criteria provided, single submitter. Criteria: ACMG Guidelines, 2015. Collection method: clinical testing. Allele origin: unknown. Affected: yes.
Comment: This variant was determined to be of uncertain significance according to ACMG Guidelines, 2015 [PMID:25741868].

NM_153240.5(NPHP3):c.2112T>C (p.Cys704=)

Genes: NPHP3 (nephrocystin 3; minus strand), NPHP3-ACAD11 (NPHP3-ACAD11 readthrough (NMD candidate); minus strand). Cytogenetic location: 3q22.1.
Variant type: single nucleotide variant.
Coding change: c.2112T>C on transcript NM_153240.5 (MANE Select); coding-DNA position 2112, T replaced by C.
Protein change: p.Cys704=; no amino-acid change (cysteine 704 retained).
Molecular consequence: synonymous variant. On other transcripts: non-coding transcript variant (1).
Genome position (GRCh38, 1-based): chr3:132,696,790, A>G on the plus strand (T>C on the coding strand, the complement: NPHP3 is on the minus strand). VCF-style: chr3-132696790-A-G. GRCh37 (hg19) VCF-style: chr3-132415634-A-G.
Identifiers: ClinVar variation 1029228 (VCV001029228.7), dbSNP rs761833505, ClinGen allele CA2622111.